The following is an entry in ClinVar:

ClinVar aggregate classification (germline): Uncertain significance (1 of 4 stars; one submission).

gnomAD v4.1: 3 of 1,594,614 alleles (0.00019%); highest among the groups gnomAD compares: South Asian, 0.0034%; no homozygotes.

Submission:

Labcorp Genetics (formerly Invitae), Labcorp
Classification: Uncertain significance. Last evaluated: 2022-04-20. Review status: criteria provided, single submitter. Criteria: Invitae Variant Classification Sherloc (09022015). Collection method: clinical testing. Allele origin: germline.
Comment: This sequence change replaces glycine, which is neutral and non-polar, with arginine, which is basic and polar, at codon 2593 of the CDH23 protein (p.Gly2593Arg). This variant is not present in population databases (gnomAD no frequency). This variant has not been reported in the literature in individuals affected with CDH23-related conditions. Algorithms developed to predict the effect of missense changes on protein structure and function are either unavailable or do not agree on the potential impact of this missense change (SIFT: "Deleterious"; PolyPhen-2: "Not Available"; Align-GVGD: "Class C15"). In summary, the available evidence is currently insufficient to determine the role of this variant in disease. Therefore, it has been classified as a Variant of Uncertain Significance.

NM_022124.6(CDH23):c.7777G>C (p.Gly2593Arg)

Gene: CDH23 (cadherin related 23; plus strand). Cytogenetic location: 10q22.1.
Variant type: single nucleotide variant.
Coding change: c.7777G>C on transcript NM_022124.6 (MANE Select); coding-DNA position 7777, G replaced by C.
Protein change: p.Gly2593Arg; replaces glycine 2593 with arginine.
Molecular consequence: missense variant.
Genome position (GRCh38, 1-based): chr10:71,803,325, G>C. VCF-style: chr10-71803325-G-C. GRCh37 (hg19) VCF-style: chr10-73563082-G-C.
Other names: c.1057G>C, p.Gly353Arg (NM_001171933.1, NM_001171934.1); short protein forms G2593R, G353R.
Identifiers: ClinVar variation 2128598 (VCV002128598.4), dbSNP rs2494418830, ClinGen allele CA377161399.